The following is an entry in ClinVar:

NM_005045.4(RELN):c.2762A>G (p.Gln921Arg)

Gene: RELN (reelin; minus strand). Cytogenetic location: 7q22.1.
Variant type: single nucleotide variant.
Coding change: c.2762A>G on transcript NM_005045.4 (MANE Select); coding-DNA position 2762, A replaced by G.
Protein change: p.Gln921Arg; replaces glutamine 921 with arginine.
Molecular consequence: missense variant.
Genome position (GRCh38, 1-based): chr7:103,611,744, T>C on the plus strand (A>G on the coding strand, the complement: RELN is on the minus strand). VCF-style: chr7-103611744-T-C. GRCh37 (hg19) VCF-style: chr7-103252191-T-C.
Other names: c.2762A>G, p.Gln921Arg (NM_173054.3); short protein forms Q921R.
Identifiers: ClinVar variation 4792527 (VCV004792527.1).
Genomic context (GRCh38, chr7:103,611,744, plus strand): 5'-GTGTATTTCTGGCCACATCCCATCACCAAACTGAACTGAATCATATAGGATGCTCCTATC[T>C]GCATTGATTGTGTTTCCACATAGCGCATACTTGAGGCAAGTTTAGAATCTCCTGTAAAAC-3'
Protein context (NP_005036.2, residues 911-931): SMRYVETQSM[Gln921Arg]IGASYMIQFS

ClinVar aggregate classification (germline): Uncertain significance (1 of 4 stars; one submission).

Conditions:
Norman-Roberts syndrome (LIS2). Also called: Lissencephaly 2 (Norman-Roberts type). Identifiers: Orphanet 89844, MedGen C0796089, MONDO:0009760, OMIM 257320.
Familial temporal lobe epilepsy 7. Identifiers: Orphanet 101046, MedGen C4225327, MONDO:0014639, OMIM 616436.

Submission:

Labcorp Genetics (formerly Invitae), Labcorp
Classification: Uncertain significance for Familial temporal lobe epilepsy 7; Norman-Roberts syndrome. Last evaluated: 2025-03-07. Review status: criteria provided, single submitter. Criteria: Invitae Variant Classification Sherloc (09022015). Collection method: clinical testing. Allele origin: germline.
Comment: This sequence change replaces glutamine, which is neutral and polar, with arginine, which is basic and polar, at codon 921 of the RELN protein (p.Gln921Arg). This variant is not present in population databases (gnomAD no frequency). This variant has not been reported in the literature in individuals affected with RELN-related conditions. Invitae Evidence Modeling of protein sequence and biophysical properties (such as structural, functional, and spatial information, amino acid conservation, physicochemical variation, residue mobility, and thermodynamic stability) indicates that this missense variant is not expected to disrupt RELN protein function with a negative predictive value of 80%. In summary, the available evidence is currently insufficient to determine the role of this variant in disease. Therefore, it has been classified as a Variant of Uncertain Significance.